The following is an entry in ClinVar:

NM_000466.3(PEX1):c.1359+601A>G

Gene: PEX1 (peroxisomal biogenesis factor 1; minus strand). Cytogenetic location: 7q21.2.
Variant type: single nucleotide variant.
Coding change: c.1359+601A>G on transcript NM_000466.3 (MANE Select); 601 bases into the intron after coding-DNA position 1359, A replaced by G.
Molecular consequence: intron variant.
Genome position (GRCh38, 1-based): chr7:92,513,247, T>C on the plus strand (A>G on the coding strand, the complement: PEX1 is on the minus strand). VCF-style: chr7-92513247-T-C. GRCh37 (hg19) VCF-style: chr7-92142561-T-C.
Other names: p.?; c.1359+601A>G (NM_001282677.2); c.735+601A>G (NM_001282678.2).
Identifiers: ClinVar variation 4282438 (VCV004282438.1).
Genomic context (GRCh38, chr7:92,513,247, plus strand): 5'-GTTAAACATAATTCCTAGGTATATCCCAAAGGAGCTGAAAAGAGGAACTCAAACAGATAC[T>C]TGTACACCAATGTTCACTGTAGCATTATTCACAGCAGCCAAAAATGTGGAAACAACCCAA-3'

ClinVar aggregate classification (germline): Uncertain significance (1 of 4 stars; one submission).

Submission:

GeneDx
Classification: Uncertain significance. Last evaluated: 2025-04-10. Review status: criteria provided, single submitter. Criteria: GeneDx Variant Classification Process June 2021. Collection method: clinical testing. Allele origin: germline. Affected: yes.
Comment: No data available from control populations to assess the frequency of this variant; In silico analysis suggests this variant may impact gene splicing. In the absence of RNA/functional studies, the actual effect of this sequence change is unknown.; This variant is associated with the following publications: (PMID: 39763557)